The following is an entry in ClinVar:

ClinVar aggregate classification (germline): Uncertain significance (1 of 4 stars; one submission).

Conditions:
Inborn genetic diseases. Identifiers: MedGen C0950123, MeSH D030342.

Submission:

Ambry Genetics
Classification: Uncertain significance for Inborn genetic diseases. Last evaluated: 2025-08-09. Review status: criteria provided, single submitter. Criteria: Ambry Variant Classification Scheme 2023. Collection method: clinical testing. Allele origin: germline.
Comment: The p.N785K variant (also known as c.2355C>G), located in coding exon 15 of the PIK3CA gene, results from a C to G substitution at nucleotide position 2355. The asparagine at codon 785 is replaced by lysine, an amino acid with similar properties. This amino acid position is conserved. In addition, the in silico prediction for this alteration is inconclusive. Based on the available evidence, the clinical significance of this variant remains unclear.

NM_006218.4(PIK3CA):c.2355C>G (p.Asn785Lys)

Gene: PIK3CA (phosphatidylinositol-4,5-bisphosphate 3-kinase catalytic subunit alpha; plus strand). Cytogenetic location: 3q26.32.
Variant type: single nucleotide variant.
Coding change: c.2355C>G on transcript NM_006218.4 (MANE Select); coding-DNA position 2355, C replaced by G.
Protein change: p.Asn785Lys; replaces asparagine 785 with lysine.
Molecular consequence: missense variant.
Genome position (GRCh38, 1-based): chr3:179,224,760, C>G. VCF-style: chr3-179224760-C-G. GRCh37 (hg19) VCF-style: chr3-178942548-C-G.
Other names: short protein forms N785K.
Identifiers: ClinVar variation 4136800 (VCV004136800.1).